The following is an entry in ClinVar:

NM_001048174.2(MUTYH):c.128A>T (p.Gln43Leu)

Gene: MUTYH (mutY DNA glycosylase; minus strand). Cytogenetic location: 1p34.1.
Variant type: single nucleotide variant.
Coding change: c.128A>T on transcript NM_001048174.2 (MANE Select); coding-DNA position 128, A replaced by T.
Protein change: p.Gln43Leu; replaces glutamine 43 with leucine.
Molecular consequence: missense variant. On other transcripts: 5 prime UTR variant (1), non-coding transcript variant (5), intron variant (5).
Genome position (GRCh38, 1-based): chr1:45,333,549, T>A on the plus strand (A>T on the coding strand, the complement: MUTYH is on the minus strand). VCF-style: chr1-45333549-T-A. GRCh37 (hg19) VCF-style: chr1-45799221-T-A.
Other names: c.128A>T, p.Gln43Leu (NM_001048171.2, NM_001048173.2, NM_001293195.2 and 6 more transcripts); c.131A>T, p.Gln44Leu (NM_001048172.2, NM_001407071.1, NM_001407078.1 and 2 more transcripts); c.212A>T, p.Gln71Leu (NM_001128425.2); c.173A>T, p.Gln58Leu (NM_001293190.2); c.161A>T, p.Gln54Leu (NM_001293191.2, NM_001407077.1); c.-144A>T (NM_001350650.2); c.203A>T, p.Gln68Leu (NM_001407069.1, NM_012222.3); c.170A>T, p.Gln57Leu (NM_001407073.1, NM_001407083.1, NM_001407085.1); and 4 more; short protein forms Q44L, Q50L, Q58L, Q71L, Q15L, Q54L, Q43L, Q57L.
Identifiers: ClinVar variation 4113507 (VCV004113507.1).

ClinVar aggregate classification (germline): Uncertain significance (1 of 4 stars; one submission).

Conditions:
Hereditary cancer-predisposing syndrome. Also called: Hereditary neoplastic syndrome; Neoplastic Syndromes, Hereditary; Tumor predisposition; Hereditary Cancer Syndrome. Identifiers: Orphanet 140162, MedGen C0027672, MeSH D009386, MONDO:0015356.

Submission:

Ambry Genetics
Classification: Uncertain significance for Hereditary cancer-predisposing syndrome. Last evaluated: 2025-08-27. Review status: criteria provided, single submitter. Criteria: Ambry Variant Classification Scheme 2023. Collection method: clinical testing. Allele origin: germline.
Comment: The p.Q71L variant (also known as c.212A>T), located in coding exon 3 of the MUTYH gene, results from an A to T substitution at nucleotide position 212. The glutamine at codon 71 is replaced by leucine, an amino acid with dissimilar properties. This amino acid position is conserved. In addition, this alteration is predicted to be tolerated by in silico analysis. Based on the available evidence, the clinical significance of this variant remains unclear.